The following is an entry in ClinVar:

NC_000004.11:g.(?_103501672)_(103501816_?)del

Gene: NFKB1 (nuclear factor kappa B subunit 1; plus strand). Cytogenetic location: 4q24.
Variant type: Deletion.
Identifiers: ClinVar variation 2424806 (VCV002424806.4).

ClinVar aggregate classification (germline): Uncertain significance (1 of 4 stars; one submission).

Submission:

Labcorp Genetics (formerly Invitae), Labcorp
Classification: Uncertain significance. Last evaluated: 2022-07-29. Review status: criteria provided, single submitter. Criteria: Invitae Variant Classification Sherloc (09022015). Collection method: clinical testing. Allele origin: germline.
Comment: In summary, the available evidence is currently insufficient to determine the role of this variant in disease. Therefore, it has been classified as a Variant of Uncertain Significance. Experimental studies and prediction algorithms are not available or were not evaluated, and the functional significance of this variant is currently unknown. This variant has not been reported in the literature in individuals affected with NFKB1-related conditions. This variant is a gross deletion of the genomic region encompassing exon(s) 9 of the NFKB1 gene. This variant would be expected to be in-frame, preserving the integrity of the reading frame.